The following is an entry in ClinVar:

ClinVar aggregate classification (germline): Uncertain significance (1 of 4 stars; one submission).

Submission:

Labcorp Genetics (formerly Invitae), Labcorp
Classification: Uncertain significance. Last evaluated: 2021-11-06. Review status: criteria provided, single submitter. Criteria: Invitae Variant Classification Sherloc (09022015). Collection method: clinical testing. Allele origin: germline.
Comment: In summary, the available evidence is currently insufficient to determine the role of this variant in disease. Therefore, it has been classified as a Variant of Uncertain Significance. Algorithms developed to predict the effect of missense changes on protein structure and function are either unavailable or do not agree on the potential impact of this missense change (SIFT: "Not Available"; PolyPhen-2: "Possibly Damaging"; Align-GVGD: "Not Available"). This variant has not been reported in the literature in individuals affected with CFI-related conditions. Information on the frequency of this variant in the gnomAD database is not available, as this variant may be reported differently in the database. This sequence change replaces alanine, which is neutral and non-polar, with lysine, which is basic and polar, at codon 346 of the CFI protein (p.Ala346Lys).

NM_000204.5(CFI):c.1036_1037delinsAA (p.Ala346Lys)

Gene: CFI (complement factor I; minus strand). Cytogenetic location: 4q25.
Variant type: Indel.
Coding change: c.1036_1037delinsAA on transcript NM_000204.5 (MANE Select); coding-DNA positions 1036 to 1037, GC replaced by AA.
Protein change: p.Ala346Lys; replaces alanine 346 with lysine.
Molecular consequence: missense variant. On other transcripts: non-coding transcript variant (3).
Genome position (GRCh38, 1-based): chr4:109,749,506-109,749,507, GC replaced by TT on the plus strand (GC replaced by AA on the coding strand, the reverse complement: CFI is on the minus strand). VCF-style: chr4-109749506-GC-TT. GRCh37 (hg19) VCF-style: chr4-110670662-GC-TT.
Other names: c.1060_1061delinsAA, p.Ala354Lys (NM_001318057.2, NM_001375278.1); c.1015_1016delinsAA, p.Ala339Lys (NM_001331035.2, NM_001375280.1, NM_001375282.1); c.1036_1037delinsAA, p.Ala346Lys (NM_001375279.1, NM_001375281.1); c.979_980delinsAA, p.Ala327Lys (NM_001375283.1); c.427_428delinsAA, p.Ala143Lys (NM_001375284.1); short protein forms A143K, A327K, A339K, A354K, A346K.
Identifiers: ClinVar variation 1350015 (VCV001350015.6), dbSNP rs2126191452, ClinGen allele CA2573137888.
Genomic context (GRCh38, chr4:109,749,506, plus strand): 5'-CAAATTTAGGCTGTTTCTGGGCAGTTGCATTGTGACTTTTCATGCGACTTTACCAGTTGT[GC>TT]TCGCTTTCCTCCCACAATTCGTTTCCTTCGAATGTGCATTCTGTTTTTAACTCCACAAGA-3'
Protein context (NP_000195.3, residues 336-356): RRKRIVGGKR[Ala346Lys]QLGDLPWQVA